The following is an entry in ClinVar:

ClinVar aggregate classification (germline): Uncertain significance (1 of 4 stars; one submission).

gnomAD v4.1: 2 of 1,614,168 alleles (0.00012%); highest among the groups gnomAD compares: Admixed American, 0.0033%; no homozygotes.

Submission:

Labcorp Genetics (formerly Invitae), Labcorp
Classification: Uncertain significance. Last evaluated: 2024-04-09. Review status: criteria provided, single submitter. Criteria: Invitae Variant Classification Sherloc (09022015). Collection method: clinical testing. Allele origin: germline.
Comment: This sequence change replaces isoleucine, which is neutral and non-polar, with threonine, which is neutral and polar, at codon 1658 of the ARID1B protein (p.Ile1658Thr). This variant is not present in population databases (gnomAD no frequency). This variant has not been reported in the literature in individuals affected with ARID1B-related conditions. Advanced modeling of protein sequence and biophysical properties (such as structural, functional, and spatial information, amino acid conservation, physicochemical variation, residue mobility, and thermodynamic stability) has been performed at Invitae for this missense variant, however the output from this modeling did not meet the statistical confidence thresholds required to predict the impact of this variant on ARID1B protein function. In summary, the available evidence is currently insufficient to determine the role of this variant in disease. Therefore, it has been classified as a Variant of Uncertain Significance.

NM_001374828.1(ARID1B):c.5342T>C (p.Ile1781Thr)

Gene: ARID1B (AT-rich interaction domain 1B; plus strand). Cytogenetic location: 6q25.3.
Variant type: single nucleotide variant.
Coding change: c.5342T>C on transcript NM_001374828.1 (MANE Select); coding-DNA position 5342, T replaced by C.
Protein change: p.Ile1781Thr; replaces isoleucine 1781 with threonine.
Molecular consequence: missense variant.
Genome position (GRCh38, 1-based): chr6:157,203,944, T>C. VCF-style: chr6-157203944-T-C. GRCh37 (hg19) VCF-style: chr6-157525078-T-C.
Other names: c.2843T>C, p.Ile948Thr (NM_001363725.2); c.5222T>C, p.Ile1741Thr (NM_001371656.1, NM_001374820.1); c.5183T>C, p.Ile1728Thr (NM_017519.3); short protein forms I1741T, I1728T, I948T, I1781T.
Identifiers: ClinVar variation 3704003 (VCV003704003.2).
Genomic context (GRCh38, chr6:157,203,944, plus strand): 5'-GTGTGATGATGTCCCTTAAATCAGGTCTTTTGGCTGAGAGTACGTGGGCTTTGGACACTA[T>C]TAATATTCTTCTGTATGATGACAGCACTGTTGCTACTTTCAATCTCTCCCAGGTAAGCCA-3'
Protein context (NP_001361757.1, residues 1771-1791): LAESTWALDT[Ile1781Thr]NILLYDDSTV